The following is an entry in ClinVar:

NM_001382347.1(MYO5A):c.2515G>A (p.Ala839Thr)

Gene: MYO5A (myosin VA; minus strand). Cytogenetic location: 15q21.2.
Variant type: single nucleotide variant.
Coding change: c.2515G>A on transcript NM_001382347.1 (MANE Select); coding-DNA position 2515, G replaced by A.
Protein change: p.Ala839Thr; replaces alanine 839 with threonine.
Molecular consequence: missense variant.
Genome position (GRCh38, 1-based): chr15:52,375,366, C>T on the plus strand (G>A on the coding strand, the complement: MYO5A is on the minus strand). VCF-style: chr15-52375366-C-T. GRCh37 (hg19) VCF-style: chr15-52667563-C-T.
Other names: c.2515G>A, p.Ala839Thr (NM_000259.3, NM_001142495.2, NM_001411135.1); c.2587G>A, p.Ala863Thr (NM_001382348.1, NM_001382349.1); short protein forms A839T, A863T.
Identifiers: ClinVar variation 3352350 (VCV003352350.4).

ClinVar aggregate classification (germline): Uncertain significance. Review status: criteria provided, multiple submitters, no conflicts (2 of 4 stars). 3 submissions from 3 submitters: Uncertain significance (2). 1 of the submissions does not count toward it. Last evaluated 2026-01-28.

Conditions:
MYO5A-related disorder. Also called: MYO5A-related condition.

gnomAD v4.1: 70 of 1,614,004 alleles (0.0043%); highest among the groups gnomAD compares: Middle Eastern, 0.033%; no homozygotes.

Submissions (3):

Women's Health and Genetics/Laboratory Corporation of America, LabCorp
Classification: Uncertain significance. Last evaluated: 2026-01-28. Review status: criteria provided, single submitter. Criteria: LabCorp Variant Classification Summary - May 2015. Collection method: clinical testing. Allele origin: germline.
Comment: Variant summary: MYO5A c.2515G>A (p.Ala839Thr) results in a non-conservative amino acid change in the encoded protein sequence. Algorithms developed to predict the effect of missense changes on protein structure and function are either unavailable or do not agree on the potential impact of this missense change. The variant allele was found at a frequency of 5.2e-05 in 249350 control chromosomes. This frequency is not significantly higher than estimated for disease-causing variants in MYO5A, allowing no conclusion about variant significance. To our knowledge, no occurrence of c.2515G>A in individuals affected with MYO5A-related conditions and no experimental evidence demonstrating its impact on protein function have been reported. ClinVar contains an entry for this variant (Variation ID: 3352350). Based on the evidence outlined above, the variant was classified as uncertain significance.

Labcorp Genetics (formerly Invitae), Labcorp
Classification: Uncertain significance. Last evaluated: 2025-02-28. Review status: criteria provided, single submitter. Criteria: Invitae Variant Classification Sherloc (09022015). Collection method: clinical testing. Allele origin: germline.
Comment: This sequence change replaces alanine, which is neutral and non-polar, with threonine, which is neutral and polar, at codon 839 of the MYO5A protein (p.Ala839Thr). This variant is present in population databases (rs200977210, gnomAD 0.009%). This variant has not been reported in the literature in individuals affected with MYO5A-related conditions. ClinVar contains an entry for this variant (Variation ID: 3352350). Invitae Evidence Modeling of protein sequence and biophysical properties (such as structural, functional, and spatial information, amino acid conservation, physicochemical variation, residue mobility, and thermodynamic stability) indicates that this missense variant is not expected to disrupt MYO5A protein function with a negative predictive value of 80%. In summary, the available evidence is currently insufficient to determine the role of this variant in disease. Therefore, it has been classified as a Variant of Uncertain Significance.

PreventionGenetics, part of Exact Sciences
Classification: Uncertain significance for MYO5A-related condition. Last evaluated: 2024-05-22. Review status: no assertion criteria provided. Collection method: clinical testing. Allele origin: germline. Not counted in ClinVar's aggregate classification.
Comment: The MYO5A c.2515G>A variant is predicted to result in the amino acid substitution p.Ala839Thr. To our knowledge, this variant has not been reported in the literature. This variant is reported in 0.0097% of alleles in individuals of European (Non-Finnish) descent in gnomAD. At this time, the clinical significance of this variant is uncertain due to the absence of conclusive functional and genetic evidence.